The following is an entry in ClinVar:

ClinVar aggregate classification (germline): Conflicting classifications of pathogenicity. Review status: criteria provided, conflicting classifications (1 of 4 stars). 2 submissions from 2 submitters: Uncertain significance (1); Likely benign (1). Last evaluated 2023-03-23.

Conditions:
Hereditary cancer-predisposing syndrome. Also called: Tumor predisposition; Hereditary neoplastic syndrome; Neoplastic Syndromes, Hereditary; Hereditary Cancer Syndrome. Identifiers: Orphanet 140162, MedGen C0027672, MeSH D009386, MONDO:0015356.
Breast neoplasm. Also called: Neoplasm of breast; Breast tumor; Neoplasm of the breast; Breast Neoplasms. Identifiers: MedGen C1458155, MeSH D001943, MONDO:0021100, HP:0100013. Disease mechanism: gain of function.

Submissions (2):

University of Washington Department of Laboratory Medicine, University of Washington
Classification: Likely benign for Hereditary cancer-predisposing syndrome. Last evaluated: 2023-03-23. Review status: criteria provided, single submitter. Criteria: Dines et al. (Genet Med. 2020). Collection method: curation. Allele origin: germline.
Comment: Missense variant in a coldspot region where missense variants are very unlikely to be pathogenic (PMID:31911673).

BRCA2 exon 11 coldspot. Reclassification based on statistical prior probability.

Laboratory of Molecular Diagnosis of Cancer, West China Hospital, Sichuan University
Classification: Uncertain significance for Breast neoplasm. Last evaluated: 2015-11-01. Review status: criteria provided, single submitter. Criteria: ACMG Guidelines, 2015. Collection method: research. Allele origin: somatic. Affected: yes. Observed: 1 variant allele.

Literature cited by the submitters: PubMed 27257965 (cited by Laboratory of Molecular Diagnosis of Cancer, West China Hospital, Sichuan University).

NM_000059.4(BRCA2):c.6256A>G (p.Ile2086Val)

Gene: BRCA2 (BRCA2 DNA repair associated; plus strand). Cytogenetic location: 13q13.1.
Variant type: single nucleotide variant.
Coding change: c.6256A>G on transcript NM_000059.4 (MANE Select); coding-DNA position 6256, A replaced by G.
Protein change: p.Ile2086Val; replaces isoleucine 2086 with valine.
Molecular consequence: missense variant.
Genome position (GRCh38, 1-based): chr13:32,340,611, A>G. VCF-style: chr13-32340611-A-G. GRCh37 (hg19) VCF-style: chr13-32914748-A-G.
Other names: short protein forms I2086V.
Identifiers: ClinVar variation 224464 (VCV000224464.3), dbSNP rs886037811, ClinGen allele CA10575924.